The following is an entry in ClinVar:

NM_005220.3(DLX3):c.*1326T>A

Gene: DLX3 (distal-less homeobox 3; minus strand). Cytogenetic location: 17q21.33.
Variant type: single nucleotide variant.
Coding change: c.*1326T>A on transcript NM_005220.3 (MANE Select); 1326 bases downstream of the stop codon, T replaced by A.
Molecular consequence: 3 prime UTR variant.
Genome position (GRCh38, 1-based): chr17:49,990,191, A>T on the plus strand (T>A on the coding strand, the complement: DLX3 is on the minus strand). VCF-style: chr17-49990191-A-T. GRCh37 (hg19) VCF-style: chr17-48067555-A-T.
Identifiers: ClinVar variation 324001 (VCV000324001.6), dbSNP rs3803877, ClinGen allele CA10649613.

ClinVar aggregate classification (germline): Benign. Review status: criteria provided, multiple submitters, no conflicts (2 of 4 stars). 2 submissions from 2 submitters: Benign (2). Last evaluated 2018-01-13.

Conditions:
Hypomaturation-hypoplastic amelogenesis imperfecta with taurodontism. Also called: Amelogenesis imperfecta, type IV. Identifiers: Orphanet 100034, Orphanet 88661, MedGen C1863012, MONDO:0007093, OMIM 104510. Disease mechanism: loss of function.

Allele frequency attached by ClinVar (database versions not stated): 1000 Genomes Project 30x 0.08136; 1000 Genomes Project 0.08167; TOPMed 0.08563; gnomAD 0.09111 and 0.09159; gnomAD exomes 0.16447.

Submissions (2):

Illumina Laboratory Services, Illumina
Classification: Benign for Hypomaturation-hypoplastic amelogenesis imperfecta with taurodontism. Last evaluated: 2018-01-13. Review status: criteria provided, single submitter. Criteria: ICSL Variant Classification Criteria 13 December 2019. Collection method: clinical testing. Allele origin: germline.
Comment: This variant was observed in the ICSL laboratory as part of a predisposition screen in an ostensibly healthy population. It had not been previously curated by ICSL or reported in the Human Gene Mutation Database (HGMD: prior to June 1st, 2018), and was therefore a candidate for classification through an automated scoring system. Utilizing variant allele frequency, disease prevalence and penetrance estimates, and inheritance mode, an automated score was calculated to assess if this variant is too frequent to cause the disease. Based on the score and internal cut-off values, a variant classified as benign is not then subjected to further curation. The score for this variant resulted in a classification of benign for this disease.

Breakthrough Genomics
Classification: Benign. Review status: criteria provided, single submitter. Criteria: ACMG Guidelines, 2015. Collection method: not provided. Allele origin: germline. Inheritance: Autosomal dominant inheritance. Affected: yes.